The following is an entry in ClinVar:

NM_000284.4(PDHA1):c.692C>T (p.Thr231Met)

Gene: PDHA1 (pyruvate dehydrogenase E1 subunit alpha 1; plus strand). Cytogenetic location: Xp22.12.
Variant type: single nucleotide variant.
Coding change: c.692C>T on transcript NM_000284.4 (MANE Select); coding-DNA position 692, C replaced by T.
Protein change: p.Thr231Met; replaces threonine 231 with methionine.
Molecular consequence: missense variant.
Genome position (GRCh38, 1-based): chrX:19,355,437, C>T. VCF-style: chrX-19355437-C-T. GRCh37 (hg19) VCF-style: chrX-19373555-C-T.
Other names: c.806C>T, p.Thr269Met (NM_001173454.2); c.713C>T, p.Thr238Met (NM_001173455.2); c.599C>T, p.Thr200Met (NM_001173456.2); short protein forms T200M, T231M, T238M, T269M.
Identifiers: ClinVar variation 1804669 (VCV001804669.6), dbSNP rs1272572107, ClinGen allele CA412394553.

ClinVar aggregate classification (germline): Conflicting classifications of pathogenicity. Review status: criteria provided, conflicting classifications (1 of 4 stars). 3 submissions from 3 submitters: Likely pathogenic (1); Uncertain significance (2). Last evaluated 2025-08-01.

Conditions:
Pyruvate dehydrogenase E1-alpha deficiency (PDHAD). Also called: ATAXIA, INTERMITTENT, WITH PYRUVATE DEHYDROGENASE DEFICIENCY; ATAXIA WITH LACTIC ACIDOSIS I; ATAXIA, INTERMITTENT, WITH ABNORMAL PYRUVATE METABOLISM; Ataxia, intermittent, with pyruvate dehydrogenase, or decarboxylase, deficiency. Identifiers: Orphanet 79243, MedGen C1839413, MONDO:0010717, OMIM 312170.

Allele frequency attached by ClinVar (database versions not stated): gnomAD exomes below 0.00001; TOPMed below 0.00001; gnomAD 0.00001.
gnomAD v4.1: 3 of 1,210,125 alleles (0.00025%); highest among the groups gnomAD compares: Non-Finnish European, 0.00034%; no homozygotes.

Submissions (3):

Women's Health and Genetics/Laboratory Corporation of America, LabCorp
Classification: Uncertain significance. Last evaluated: 2025-08-01. Review status: criteria provided, single submitter. Criteria: LabCorp Variant Classification Summary - May 2015. Collection method: clinical testing. Allele origin: germline.
Comment: Variant summary: PDHA1 c.692C>T (p.Thr231Met) results in a non-conservative amino acid change located in the Dehydrogenase domain (IPR001017) of the encoded protein sequence. Algorithms developed to predict the effect of missense changes on protein structure and function all suggest that this variant is likely to be disruptive. The variant allele was found at a frequency of 2.5e-06 in 1205070 control chromosomes in the gnomAD database (v4.1 dataset), including 2 hemizygotes. The available data on variant occurrences in the general population are insufficient to allow any conclusion about variant significance. To our knowledge, no experimental evidence demonstrating an impact on protein function has been reported. Other missense variants affecting the same codon (T231A/K/R) have been reported in affected individuals (HGMD, and Labcorp (formerly Invitae) internal case(s)), suggesting this residue is clinically significant. However, the presence of the p.Thr231Met in unaffected hemizygous males is inconsistent with the age of onset and severity of known PDHA1-related conditions. The following publication has been ascertained in the context of this evaluation (PMID: 28252636). ClinVar contains an entry for this variant (Variation ID: 1804669). Based on the evidence outlined above, the variant was classified as VUS-possibly benign.

GeneDx
Classification: Uncertain significance. Last evaluated: 2025-04-17. Review status: criteria provided, single submitter. Criteria: GeneDx Variant Classification Process June 2021. Collection method: clinical testing. Allele origin: germline. Affected: yes.
Comment: Has not been previously published as pathogenic or benign to our knowledge; Not observed at significant frequency in large population cohorts (gnomAD); In silico analysis supports that this missense variant has a deleterious effect on protein structure/function

Labcorp Genetics (formerly Invitae), Labcorp
Classification: Likely pathogenic for Pyruvate dehydrogenase E1-alpha deficiency. Last evaluated: 2023-07-25. Review status: criteria provided, single submitter. Criteria: Invitae Variant Classification Sherloc (09022015). Collection method: clinical testing. Allele origin: germline.
Comment: This variant disrupts the p.Thr231 amino acid residue in PDHA1. Other variant(s) that disrupt this residue have been determined to be pathogenic (Invitae). This suggests that this residue is clinically significant, and that variants that disrupt this residue are likely to be disease-causing. Advanced modeling of protein sequence and biophysical properties (such as structural, functional, and spatial information, amino acid conservation, physicochemical variation, residue mobility, and thermodynamic stability) performed at Invitae indicates that this missense variant is expected to disrupt PDHA1 protein function. ClinVar contains an entry for this variant (Variation ID: 1804669). This missense change has been observed in individual(s) with clinical features of PDHA1-related conditions (PMID: 28252636). This variant is not present in population databases (gnomAD no frequency). This sequence change replaces threonine, which is neutral and polar, with methionine, which is neutral and non-polar, at codon 231 of the PDHA1 protein (p.Thr231Met). In summary, the currently available evidence indicates that the variant is pathogenic, but additional data are needed to prove that conclusively. Therefore, this variant has been classified as Likely Pathogenic.

Literature cited by the submitters: PubMed 28252636 (cited by Women's Health and Genetics/Laboratory Corporation of America, LabCorp and Labcorp Genetics (formerly Invitae), Labcorp).